The following is an entry in ClinVar:

NM_015909.4(NBAS):c.2250C>T (p.Ser750=)

Gene: NBAS (NBAS subunit of NRZ tethering complex; minus strand). Cytogenetic location: 2p24.3.
Variant type: single nucleotide variant.
Coding change: c.2250C>T on transcript NM_015909.4 (MANE Select); coding-DNA position 2250, C replaced by T.
Protein change: p.Ser750=; no amino-acid change (serine 750 retained).
Molecular consequence: synonymous variant. On other transcripts: non-coding transcript variant (1).
Genome position (GRCh38, 1-based): chr2:15,461,290, G>A on the plus strand (C>T on the coding strand, the complement: NBAS is on the minus strand). VCF-style: chr2-15461290-G-A. GRCh37 (hg19) VCF-style: chr2-15601414-G-A.
Identifiers: ClinVar variation 1416516 (VCV001416516.31), dbSNP rs779321279, ClinGen allele CA1536421.

ClinVar aggregate classification (germline): Likely benign. Review status: criteria provided, multiple submitters, no conflicts (2 of 4 stars). 2 submissions from 2 submitters: Likely benign (2). Last evaluated 2025-12-16.

Allele frequency attached by ClinVar (database versions not stated): ExAC 0.00001; gnomAD exomes 0.00001 and 0.00002; gnomAD 0.00002 and 0.00003; TOPMed 0.00002.
gnomAD v4.1: 30 of 1,613,026 alleles (0.0019%); highest among the groups gnomAD compares: Middle Eastern, 0.017%; no homozygotes.

Submissions (2):

Labcorp Genetics (formerly Invitae), Labcorp
Classification: Likely benign. Last evaluated: 2025-12-16. Review status: criteria provided, single submitter. Criteria: Invitae Variant Classification Sherloc (09022015). Collection method: clinical testing. Allele origin: germline.

CeGaT Center for Human Genetics Tuebingen
Classification: Likely benign. Last evaluated: 2023-03-01. Review status: criteria provided, single submitter. Criteria: CeGaT Center For Human Genetics Tuebingen Variant Classification Criteria Version 2. Collection method: clinical testing. Allele origin: germline. Affected: yes. Observed: 1 variant allele.
Comment: NBAS: BP4, BP7